The following is an entry in ClinVar:

ClinVar aggregate classification (germline): Uncertain significance (1 of 4 stars; one submission).

Conditions:
Cardiomyopathy (CMYO). Also called: Cardiomyopathies. Identifiers: Orphanet 167848, MedGen C0878544, MONDO:0004994, HP:0001638. Inheritance: Various modes of inheritance.

Submission:

Color Diagnostics, LLC DBA Color Health
Classification: Uncertain significance for Cardiomyopathy. Last evaluated: 2025-11-24. Review status: criteria provided, single submitter. Criteria: ACMG Guidelines, 2015. Collection method: clinical testing. Allele origin: germline.
Comment: This missense variant replaces threonine with serine at codon 177 of the PKP2 protein. Computational prediction suggests that this variant may not impact protein structure and function. To our knowledge, functional studies have not been reported for this variant. This variant has not been reported in individuals affected with PKP2-related disorders in the literature. This variant has not been identified in the general population by the Genome Aggregation Database (gnomAD). The available evidence is insufficient to determine the role of this variant in disease conclusively. Therefore, this variant is classified as a Variant of Uncertain Significance.

NM_001005242.3(PKP2):c.530C>G (p.Thr177Ser)

Gene: PKP2 (plakophilin 2; minus strand). Cytogenetic location: 12p11.21.
Variant type: single nucleotide variant.
Coding change: c.530C>G on transcript NM_001005242.3 (MANE Select); coding-DNA position 530, C replaced by G.
Protein change: p.Thr177Ser; replaces threonine 177 with serine.
Molecular consequence: missense variant.
Genome position (GRCh38, 1-based): chr12:32,878,350, G>C on the plus strand (C>G on the coding strand, the complement: PKP2 is on the minus strand). VCF-style: chr12-32878350-G-C. GRCh37 (hg19) VCF-style: chr12-33031284-G-C.
Other names: c.530C>G, p.Thr177Ser (NM_001407155.1, NM_001407156.1, NM_001407157.1 and 2 more transcripts); c.203C>G, p.Thr68Ser (NM_001407158.1, NM_001407159.1, NM_001407160.1 and 1 more transcripts); short protein forms T177S, T68S.
Identifiers: ClinVar variation 4759167 (VCV004759167.1).
Genomic context (GRCh38, chr12:32,878,350, plus strand): 5'-GAACGAGCATATCTCGGTGGCACTAGGAGGGCGGCCCGCCTGCTTTCTTGGTGGTGCAGG[G>C]TGTGCCCAGCCTGGCTTCTCTGGCTGTACTGGTAATCGCTGTGCGTGTAGTGAGCCCTCT-3'
Protein context (NP_001005242.2, residues 167-187): QYSQRSQAGH[Thr177Ser]LHHQESRRAA